The following is an entry in ClinVar:

NM_001903.5(CTNNA1):c.874G>A (p.Asp292Asn)

Gene: CTNNA1 (catenin alpha 1; plus strand). Cytogenetic location: 5q31.2.
Variant type: single nucleotide variant.
Coding change: c.874G>A on transcript NM_001903.5 (MANE Select); coding-DNA position 874, G replaced by A.
Protein change: p.Asp292Asn; replaces aspartic acid 292 with asparagine.
Molecular consequence: missense variant.
Genome position (GRCh38, 1-based): chr5:138,827,530, G>A. VCF-style: chr5-138827530-G-A. GRCh37 (hg19) VCF-style: chr5-138163219-G-A.
Other names: c.874G>A, p.Asp292Asn (NM_001290307.3, NM_001323982.2, NM_001323983.1 and 3 more transcripts); c.565G>A, p.Asp189Asn (NM_001290309.3); c.505G>A, p.Asp169Asn (NM_001290310.3); short protein forms D292N, D169N, D189N.
Identifiers: ClinVar variation 1764529 (VCV001764529.2), dbSNP rs2532446039, ClinGen allele CA361130667.

ClinVar aggregate classification (germline): Uncertain significance (1 of 4 stars; one submission).

Conditions:
Hereditary cancer-predisposing syndrome. Also called: Neoplastic Syndromes, Hereditary; Tumor predisposition; Hereditary Cancer Syndrome; Hereditary neoplastic syndrome. Identifiers: Orphanet 140162, MedGen C0027672, MeSH D009386, MONDO:0015356.

Submission:

Ambry Genetics
Classification: Uncertain significance for Hereditary cancer-predisposing syndrome. Last evaluated: 2021-09-26. Review status: criteria provided, single submitter. Criteria: Ambry Variant Classification Scheme 2023. Collection method: clinical testing. Allele origin: germline.
Comment: The p.D292N variant (also known as c.874G>A), located in coding exon 6 of the CTNNA1 gene, results from a G to A substitution at nucleotide position 874. The aspartic acid at codon 292 is replaced by asparagine, an amino acid with highly similar properties. This amino acid position is conserved. In addition, this alteration is predicted to be tolerated by in silico analysis. Since supporting evidence is limited at this time, the clinical significance of this alteration remains unclear.